The following is an entry in ClinVar:

ClinVar aggregate classification (germline): Uncertain significance. Review status: criteria provided, single submitter (1 of 4 stars). 2 submissions from 2 submitters: Uncertain significance (1). 1 of the submissions does not count toward it. Last evaluated 2021-09-01.

Conditions:
Familial dysautonomia. Also called: HSAN III; FD. Identifiers: Orphanet 1764, MedGen C0013364, MONDO:0009131, OMIM 223900. Disease mechanism: loss of function.

gnomAD v4.1: 1 of 1,574,702 alleles (0.000064%); highest among the groups gnomAD compares: Non-Finnish European, 0.000087%; no homozygotes.

Submissions (2):

Labcorp Genetics (formerly Invitae), Labcorp
Classification: Uncertain significance. Last evaluated: 2021-09-01. Review status: criteria provided, single submitter. Criteria: Invitae Variant Classification Sherloc (09022015). Collection method: clinical testing. Allele origin: germline.
Comment: This sequence change replaces isoleucine with leucine at codon 1113 of the ELP1 protein (p.Ile1113Leu). The isoleucine residue is moderately conserved and there is a small physicochemical difference between isoleucine and leucine. This variant is not present in population databases (ExAC no frequency). This variant has not been reported in the literature in individuals affected with ELP1-related conditions. Algorithms developed to predict the effect of missense changes on protein structure and function (SIFT, PolyPhen-2, Align-GVGD) all suggest that this variant is likely to be tolerated. In summary, the available evidence is currently insufficient to determine the role of this variant in disease. Therefore, it has been classified as a Variant of Uncertain Significance.

Natera, Inc.
Classification: Uncertain significance for Familial dysautonomia. Last evaluated: 2020-10-27. Review status: no assertion criteria provided. Collection method: clinical testing. Allele origin: germline. Not counted in ClinVar's aggregate classification.

NM_003640.5(ELP1):c.3337A>C (p.Ile1113Leu)

Gene: ELP1 (elongator acetyltransferase complex subunit 1; minus strand). Cytogenetic location: 9q31.3.
Variant type: single nucleotide variant.
Coding change: c.3337A>C on transcript NM_003640.5 (MANE Select); coding-DNA position 3337, A replaced by C.
Protein change: p.Ile1113Leu; replaces isoleucine 1113 with leucine.
Molecular consequence: missense variant.
Genome position (GRCh38, 1-based): chr9:108,881,714, T>G on the plus strand (A>C on the coding strand, the complement: ELP1 is on the minus strand). VCF-style: chr9-108881714-T-G. GRCh37 (hg19) VCF-style: chr9-111643994-T-G.
Other names: c.2995A>C, p.Ile999Leu (NM_001318360.2); c.2290A>C, p.Ile764Leu (NM_001330749.2); short protein forms I1113L, I764L, I999L.
Identifiers: ClinVar variation 998969 (VCV000998969.7), dbSNP rs763262745, ClinGen allele CA374413088.